The following is an entry in ClinVar:

ClinVar aggregate classification (germline): Uncertain significance. Review status: criteria provided, multiple submitters, no conflicts (2 of 4 stars). 2 submissions from 2 submitters: Uncertain significance (2). Last evaluated 2025-04-09.

Allele frequency attached by ClinVar (database versions not stated): gnomAD 0.00002; gnomAD exomes 0.00001; TOPMed 0.00003.
gnomAD v4.1: 21 of 1,589,446 alleles (0.0013%); highest among the groups gnomAD compares: Non-Finnish European, 0.0017%; no homozygotes.

Submissions (2):

ARUP Laboratories, Molecular Genetics and Genomics, ARUP Laboratories
Classification: Uncertain significance. Last evaluated: 2025-04-09. Review status: criteria provided, single submitter. Criteria: ARUP Molecular Germline Variant Investigation Process 2024. Collection method: clinical testing. Allele origin: germline.
Comment: The TTN c.40546G>T; p.Val13516Phe variant (rs757535628; ClinVar Variation ID: 2438175) is rare in the general population (<0.2% allele frequency in the Genome Aggregation Database) and has not been reported in the medical literature in association with dilated cardiomyopathy (DCM) or other TTN-related disease. The clinical relevance of rare missense variants in this gene, which are identified on average once per individual sequenced in affected populations (Herman 2012), is not well understood. Yet, evidence suggests that the vast majority of such missense variants do not contribute to the clinical outcome of DCM (Begay 2015). Thus, the clinical significance of the p.Val13516Phe variant cannot be determined with certainty. References: Begay RL et al. Role of Titin Missense Variants in Dilated Cardiomyopathy. J Am Heart Assoc. 2015 Nov 13;4(11). PMID: 26567375. Herman DS et al. Truncations of titin causing dilated cardiomyopathy. N Engl J Med. 2012 Feb 16;366(7):619-28. PMID: 22335739. Linke WA and Hamdani N. Gigantic business: titin properties and function through thick and thin. Circ Res 2014; 114(6): 1052-1068. PMID: 24625729.

Revvity Omics, Revvity
Classification: Uncertain significance. Last evaluated: 2022-05-03. Review status: criteria provided, single submitter. Criteria: ACMG Guidelines, 2015. Collection method: clinical testing. Allele origin: germline.

NM_001267550.2(TTN):c.40546G>T (p.Val13516Phe)

Gene: TTN (titin; minus strand). Cytogenetic location: 2q31.2.
Variant type: single nucleotide variant.
Coding change: c.40546G>T on transcript NM_001267550.2 (MANE Select); coding-DNA position 40546, G replaced by T.
Protein change: p.Val13516Phe; replaces valine 13516 with phenylalanine.
Molecular consequence: missense variant.
Genome position (GRCh38, 1-based): chr2:178,642,249, C>A on the plus strand (G>T on the coding strand, the complement: TTN is on the minus strand). VCF-style: chr2-178642249-C-A. GRCh37 (hg19) VCF-style: chr2-179506976-C-A.
Other names: c.35623G>T, p.Val11875Phe (NM_001256850.1); c.13351G>T, p.Val4451Phe (NM_003319.4); c.32842G>T, p.Val10948Phe (NM_133378.4); c.13726G>T, p.Val4576Phe (NM_133432.3); c.13927G>T, p.Val4643Phe (NM_133437.4); short protein forms V10948F, V11875F, V13516F, V4451F, V4576F, V4643F.
Identifiers: ClinVar variation 2438175 (VCV002438175.4), dbSNP rs757535628, ClinGen allele CA1996463.
Genomic context (GRCh38, chr2:178,642,249, plus strand): 5'-TTTTTAAAATATACTTAACGCTGACAGAATGGTTGAAAAATACTATACCGCTTTTCAGAA[C>A]AACTTCTTCCTTTGGTTCAGGTTTACGTTCCGGAAGTAATTTGCGAACTTTCTTTTCACC-3'
Protein context (NP_001254479.2, residues 13506-13526): ERKPEPKEEV[Val13516Phe]LKSVLRKRPE